The following is an entry in ClinVar:

NM_001130438.3(SPTAN1):c.3042T>G (p.Gly1014=)

Gene: SPTAN1 (spectrin alpha, non-erythrocytic 1; plus strand). Cytogenetic location: 9q34.11.
Variant type: single nucleotide variant.
Coding change: c.3042T>G on transcript NM_001130438.3 (MANE Select); coding-DNA position 3042, T replaced by G.
Protein change: p.Gly1014=; no amino-acid change (glycine 1014 retained).
Molecular consequence: synonymous variant.
Genome position (GRCh38, 1-based): chr9:128,591,512, T>G. VCF-style: chr9-128591512-T-G. GRCh37 (hg19) VCF-style: chr9-131353791-T-G.
Other names: c.3042T>G, p.Gly1014= (NM_001195532.2, NM_001363759.2, NM_001363765.2 and 1 more transcripts).
Identifiers: ClinVar variation 212296 (VCV000212296.26), dbSNP rs150870424, ClinGen allele CA207564.

ClinVar aggregate classification (germline): Conflicting classifications of pathogenicity. Review status: criteria provided, conflicting classifications (1 of 4 stars). 7 submissions from 7 submitters: Uncertain significance (1); Benign (1); Likely benign (4). 1 of the submissions does not count toward it. Last evaluated 2026-04-22.

Conditions:
Inborn genetic diseases. Identifiers: MedGen C0950123, MeSH D030342.
Early-infantile DEE. Also called: Ohtahara syndrome; Early infantile epileptic encephalopathy; Early infantile epileptic encephalopathy with suppression bursts. Identifiers: Orphanet 1934, MedGen C0393706, MONDO:0800491.
SPTAN1-related disorder. Also called: SPTAN1-related condition; SPTAN1-related disorders.
Developmental and epileptic encephalopathy, 5 (DEE5). Identifiers: Orphanet 3451, MedGen C3150731, MONDO:0013277, OMIM 613477.

Allele frequency attached by ClinVar (database versions not stated): 1000 Genomes Project 30x 0.00047; gnomAD exomes 0.00002 and 0.00006; ExAC 0.00007; TOPMed 0.00024; gnomAD 0.00027 and 0.00028; 1000 Genomes Project 0.00040.
gnomAD v4.1: 70 of 1,614,064 alleles (0.0043%); highest among the groups gnomAD compares: African/African-American, 0.087%; 1 homozygote.

Submissions (7):

Women's Health and Genetics/Laboratory Corporation of America, LabCorp
Classification: Likely benign. Last evaluated: 2026-04-22. Review status: criteria provided, single submitter. Criteria: LabCorp Variant Classification Summary - May 2015. Collection method: clinical testing. Allele origin: germline.

Labcorp Genetics (formerly Invitae), Labcorp
Classification: Likely benign for Early-infantile DEE. Last evaluated: 2025-11-23. Review status: criteria provided, single submitter. Criteria: Invitae Variant Classification Sherloc (09022015). Collection method: clinical testing. Allele origin: germline.

Genome-Nilou Lab
Classification: Likely benign for Developmental and epileptic encephalopathy, 5. Last evaluated: 2021-07-15. Review status: criteria provided, single submitter. Criteria: ACMG Guidelines, 2015. Collection method: clinical testing. Allele origin: germline. Affected: no.

GeneDx
Classification: Benign. Last evaluated: 2019-04-01. Review status: criteria provided, single submitter. Criteria: GeneDx Variant Classification Process June 2021. Collection method: clinical testing. Allele origin: germline. Affected: yes.

Ambry Genetics
Classification: Likely benign for Inborn genetic diseases. Last evaluated: 2017-01-09. Review status: criteria provided, single submitter. Criteria: Ambry Variant Classification Scheme 2023. Collection method: clinical testing. Allele origin: germline.

Genetic Services Laboratory, University of Chicago
Classification: Uncertain significance. Last evaluated: 2014-11-24. Review status: criteria provided, single submitter. Criteria: ACMG Guidelines, 2015. Collection method: clinical testing. Allele origin: germline.

PreventionGenetics, part of Exact Sciences
Classification: Likely benign for SPTAN1-related condition. Last evaluated: 2019-04-05. Review status: no assertion criteria provided. Collection method: clinical testing. Allele origin: germline. Not counted in ClinVar's aggregate classification.
Comment: This variant is classified as likely benign based on ACMG/AMP sequence variant interpretation guidelines (Richards et al. 2015 PMID: 25741868, with internal and published modifications).